The following is an entry in ClinVar:

ClinVar aggregate classification (germline): Uncertain significance. Review status: criteria provided, multiple submitters, no conflicts (2 of 4 stars). 2 submissions from 2 submitters: Uncertain significance (2). Last evaluated 2023-10-24.

Submissions (2):

Revvity Omics, Revvity
Classification: Uncertain significance. Last evaluated: 2023-10-24. Review status: criteria provided, single submitter. Criteria: ACMG Guidelines, 2015. Collection method: clinical testing. Allele origin: germline.

Labcorp Genetics (formerly Invitae), Labcorp
Classification: Uncertain significance. Last evaluated: 2022-08-16. Review status: criteria provided, single submitter. Criteria: Invitae Variant Classification Sherloc (09022015). Collection method: clinical testing. Allele origin: germline.
Comment: This sequence change replaces glycine, which is neutral and non-polar, with valine, which is neutral and non-polar, at codon 53 of the WFS1 protein (p.Gly53Val). This variant is not present in population databases (gnomAD no frequency). This variant has not been reported in the literature in individuals affected with WFS1-related conditions. ClinVar contains an entry for this variant (Variation ID: 1384850). Advanced modeling of protein sequence and biophysical properties (such as structural, functional, and spatial information, amino acid conservation, physicochemical variation, residue mobility, and thermodynamic stability) performed at Invitae indicates that this missense variant is not expected to disrupt WFS1 protein function. In summary, the available evidence is currently insufficient to determine the role of this variant in disease. Therefore, it has been classified as a Variant of Uncertain Significance.

NM_006005.3(WFS1):c.158G>T (p.Gly53Val)

Gene: WFS1 (wolframin ER transmembrane glycoprotein; plus strand). Cytogenetic location: 4p16.1.
Variant type: single nucleotide variant.
Coding change: c.158G>T on transcript NM_006005.3 (MANE Select); coding-DNA position 158, G replaced by T.
Protein change: p.Gly53Val; replaces glycine 53 with valine.
Molecular consequence: missense variant.
Genome position (GRCh38, 1-based): chr4:6,277,613, G>T. VCF-style: chr4-6277613-G-T. GRCh37 (hg19) VCF-style: chr4-6279340-G-T.
Other names: c.158G>T, p.Gly53Val (NM_001145853.1); short protein forms G53V.
Identifiers: ClinVar variation 1384850 (VCV001384850.7), dbSNP rs2109108045, ClinGen allele CA356169747.